The following is an entry in ClinVar:

ClinVar aggregate classification (germline): Conflicting classifications of pathogenicity. Review status: criteria provided, conflicting classifications (1 of 4 stars). 3 submissions from 3 submitters: Uncertain significance (1); Likely benign (2). Last evaluated 2025-12-25.

Conditions:
Inborn genetic diseases. Identifiers: MedGen C0950123, MeSH D030342.
Congenital myotonia, autosomal recessive form. Also called: BECKER DISEASE; Becker Generalized Myotonia; myotonia congenita, autosomal recessive. Identifiers: Orphanet 614, MedGen C0751360, MONDO:0009715, OMIM 255700.
Congenital myotonia, autosomal dominant form (THD). Also called: THOMSEN DISEASE; Myotonia congenita autosomal dominant. Identifiers: Orphanet 614, MedGen C2936781, MONDO:0008055, OMIM 160800.

Allele frequency attached by ClinVar (database versions not stated): gnomAD 0.00001; TOPMed 0.00002; gnomAD exomes 0.00015; ExAC 0.00018; 1000 Genomes Project 30x 0.00031; 1000 Genomes Project 0.00040.
gnomAD v4.1: 98 of 1,614,068 alleles (0.0061%); highest among the groups gnomAD compares: South Asian, 0.075%; 1 homozygote.

Submissions (3):

Labcorp Genetics (formerly Invitae), Labcorp
Classification: Likely benign for Congenital myotonia, autosomal recessive form; Congenital myotonia, autosomal dominant form. Last evaluated: 2025-12-25. Review status: criteria provided, single submitter. Criteria: Invitae Variant Classification Sherloc (09022015). Collection method: clinical testing. Allele origin: germline.

Ambry Genetics
Classification: Likely benign for Inborn genetic diseases. Last evaluated: 2025-12-17. Review status: criteria provided, single submitter. Criteria: Ambry Variant Classification Scheme 2023. Collection method: clinical testing. Allele origin: germline.

GeneDx
Classification: Uncertain significance. Last evaluated: 2021-11-23. Review status: criteria provided, single submitter. Criteria: GeneDx Variant Classification Process June 2021. Collection method: clinical testing. Allele origin: germline. Affected: yes.
Comment: In silico analysis supports that this missense variant does not alter protein structure/function; Has not been previously published as pathogenic or benign to our knowledge

NM_000083.3(CLCN1):c.1310C>T (p.Ala437Val)

Gene: CLCN1 (chloride voltage-gated channel 1; plus strand). Cytogenetic location: 7q34.
Variant type: single nucleotide variant.
Coding change: c.1310C>T on transcript NM_000083.3 (MANE Select); coding-DNA position 1310, C replaced by T.
Protein change: p.Ala437Val; replaces alanine 437 with valine.
Molecular consequence: missense variant.
Genome position (GRCh38, 1-based): chr7:143,332,782, C>T. VCF-style: chr7-143332782-C-T. GRCh37 (hg19) VCF-style: chr7-143029875-C-T.
Other names: short protein forms A437V.
Identifiers: ClinVar variation 1326655 (VCV001326655.10), dbSNP rs563423438, ClinGen allele CA4537319.